The following is an entry in ClinVar:

ClinVar aggregate classification (germline): Uncertain significance (1 of 4 stars; one submission).

Submission:

Labcorp Genetics (formerly Invitae), Labcorp
Classification: Uncertain significance. Last evaluated: 2022-06-20. Review status: criteria provided, single submitter. Criteria: Invitae Variant Classification Sherloc (09022015). Collection method: clinical testing. Allele origin: germline.
Comment: In summary, the available evidence is currently insufficient to determine the role of this variant in disease. Therefore, it has been classified as a Variant of Uncertain Significance. Variants that disrupt the consensus splice site are a relatively common cause of aberrant splicing (PMID: 17576681, 9536098). Algorithms developed to predict the effect of sequence changes on RNA splicing suggest that this variant may disrupt the consensus splice site. This variant has not been reported in the literature in individuals affected with RARS-related conditions. This variant is not present in population databases (gnomAD no frequency). This sequence change affects an acceptor splice site in intron 14 of the RARS gene. While this variant is not anticipated to result in nonsense mediated decay, it likely alters RNA splicing and results in a disrupted protein product.

Literature cited by the submitters: PubMed 17576681; PubMed 9536098.

NM_002887.4(RARS1):c.1874-1G>C

Gene: RARS1 (arginyl-tRNA synthetase 1; plus strand). Cytogenetic location: 5q34.
Variant type: single nucleotide variant.
Coding change: c.1874-1G>C on transcript NM_002887.4 (MANE Select); the canonical splice acceptor site of the intron before coding-DNA position 1874, G replaced by C.
Molecular consequence: splice acceptor variant.
Genome position (GRCh38, 1-based): chr5:168,519,080, G>C. VCF-style: chr5-168519080-G-C. GRCh37 (hg19) VCF-style: chr5-167946085-G-C.
Identifiers: ClinVar variation 1680447 (VCV001680447.6), dbSNP rs2113047947, ClinGen allele CA362087982.